The following is an entry in ClinVar:

ClinVar aggregate classification (germline): Likely benign (1 of 4 stars; one submission).

Conditions:
Tuberous sclerosis 2 (TSC2). Identifiers: Orphanet 805, MedGen C1860707, MONDO:0013199, OMIM 613254.

Submission:

Myriad Genetics, Inc.
Classification: Likely benign for Tuberous sclerosis 2. Last evaluated: 2025-06-04. Review status: criteria provided, single submitter. Criteria: Myriad Autosomal Dominant, Autosomal Recessive and X-Linked Classification Criteria (2023). Collection method: clinical testing. Allele origin: unknown.
Comment: This variant is considered likely benign. This variant is intronic and is not expected to impact mRNA splicing.

NM_000548.5(TSC2):c.4569+10G>T

Gene: TSC2 (TSC complex subunit 2; plus strand). Cytogenetic location: 16p13.3.
Variant type: single nucleotide variant.
Coding change: c.4569+10G>T on transcript NM_000548.5 (MANE Select); 10 bases into the intron after coding-DNA position 4569, G replaced by T.
Molecular consequence: intron variant.
Genome position (GRCh38, 1-based): chr16:2,085,036, G>T. VCF-style: chr16-2085036-G-T. GRCh37 (hg19) VCF-style: chr16-2135037-G-T.
Other names: c.3027+10G>T (NM_001406693.1, NM_001406692.1, NM_001406694.1); c.3156+10G>T (NM_001406689.1); c.3096+10G>T (NM_001406690.1); c.3093+10G>T (NM_001406691.1); c.4461+10G>T (NM_001406667.1); c.4458+10G>T (NM_001406668.1); c.3969+10G>T (NM_001406680.1); c.3024+10G>T (NM_001406697.1, NM_001406695.1, NM_001406696.1); and 26 more.
Identifiers: ClinVar variation 4071147 (VCV004071147.1).
Genomic context (GRCh38, chr16:2,085,036, plus strand): 5'-TCCCCCTTCTTTGGCGACGAGTCAAACAAGCCAATCCTGCTGCCCAATGAGGTAGGCGTG[G>T]CCTCCCTCTCCTGCATCCGCTGGAGCTGTGTGGCTCGGGTGAATGGTGGGGGGCCCAGCT-3'